The following is an entry in ClinVar:

NM_001142864.4(PIEZO1):c.3927C>A (p.His1309Gln)

Gene: PIEZO1 (piezo type mechanosensitive ion channel component 1 (Er blood group); minus strand). Cytogenetic location: 16q24.3.
Variant type: single nucleotide variant.
Coding change: c.3927C>A on transcript NM_001142864.4 (MANE Select); coding-DNA position 3927, C replaced by A.
Protein change: p.His1309Gln; replaces histidine 1309 with glutamine.
Molecular consequence: missense variant.
Genome position (GRCh38, 1-based): chr16:88,726,325, G>T on the plus strand (C>A on the coding strand, the complement: PIEZO1 is on the minus strand). VCF-style: chr16-88726325-G-T. GRCh37 (hg19) VCF-style: chr16-88792733-G-T.
Other names: short protein forms H1309Q.
Identifiers: ClinVar variation 4710342 (VCV004710342.1).

ClinVar aggregate classification (germline): Uncertain significance (1 of 4 stars; one submission).

Submission:

Labcorp Genetics (formerly Invitae), Labcorp
Classification: Uncertain significance. Last evaluated: 2025-04-17. Review status: criteria provided, single submitter. Criteria: Invitae Variant Classification Sherloc (09022015). Collection method: clinical testing. Allele origin: germline.
Comment: This sequence change replaces histidine, which is basic and polar, with glutamine, which is neutral and polar, at codon 1309 of the PIEZO1 protein (p.His1309Gln). This variant is not present in population databases (gnomAD no frequency). This variant has not been reported in the literature in individuals affected with PIEZO1-related conditions. Invitae Evidence Modeling of protein sequence and biophysical properties (such as structural, functional, and spatial information, amino acid conservation, physicochemical variation, residue mobility, and thermodynamic stability) indicates that this missense variant is expected to disrupt PIEZO1 protein function with a positive predictive value of 80%. In summary, the available evidence is currently insufficient to determine the role of this variant in disease. Therefore, it has been classified as a Variant of Uncertain Significance.